The following is an entry in ClinVar:

NM_004187.5(KDM5C):c.2353G>A (p.Asp785Asn)

Gene: KDM5C (lysine demethylase 5C; minus strand). Cytogenetic location: Xp11.22.
Variant type: single nucleotide variant.
Coding change: c.2353G>A on transcript NM_004187.5 (MANE Select); coding-DNA position 2353, G replaced by A.
Protein change: p.Asp785Asn; replaces aspartic acid 785 with asparagine.
Molecular consequence: missense variant. On other transcripts: non-coding transcript variant (3).
Genome position (GRCh38, 1-based): chrX:53,198,779, C>T on the plus strand (G>A on the coding strand, the complement: KDM5C is on the minus strand). VCF-style: chrX-53198779-C-T. GRCh37 (hg19) VCF-style: chrX-53227961-C-T.
Other names: c.2152G>A, p.Asp718Asn (NM_001146702.2); c.2350G>A, p.Asp784Asn (NM_001282622.3, NM_001353979.2, NM_001353982.2); c.2353G>A, p.Asp785Asn (NM_001353978.3, NM_001353981.2, NM_001353984.2); short protein forms D718N, D784N, D785N.
Identifiers: ClinVar variation 4755895 (VCV004755895.1).
Genomic context (GRCh38, chrX:53,198,779, plus strand): 5'-AATAGAACTTGCCTGTGGAGTCCCTCCATCCCCCCCATCACTCACTGCGCTTCCGCCCAT[C>T]CTCCACCTCCAGGGCCACTCGCACTTTGTTGGCCCAGGTGTCAAAGGACTCAGCCCGAAC-3'
Protein context (NP_004178.2, residues 775-795): NKVRVALEVE[Asp785Asn]GRKRSLEELR

ClinVar aggregate classification (germline): Uncertain significance (1 of 4 stars; one submission).

gnomAD v4.1: 1 of 1,212,448 alleles (0.000082%); highest among the groups gnomAD compares: Non-Finnish European, 0.00011%; no homozygotes.

Submission:

GeneDx
Classification: Uncertain significance. Last evaluated: 2025-08-07. Review status: criteria provided, single submitter. Criteria: GeneDx Variant Classification Process June 2021. Collection method: clinical testing. Allele origin: germline. Affected: yes.
Comment: Not observed at significant frequency in large population cohorts (gnomAD); In silico analysis suggests that this missense variant does not alter protein structure/function; Has not been previously published as pathogenic or benign to our knowledge